The following is an entry in ClinVar:

ClinVar aggregate classification (germline): Pathogenic (1 of 4 stars; one submission).

Allele frequency attached by ClinVar (database versions not stated): gnomAD 0.00001.
gnomAD v4.1: 7 of 1,612,448 alleles (0.00043%); highest among the groups gnomAD compares: African/African-American, 0.0013%; no homozygotes.

Submission:

Labcorp Genetics (formerly Invitae), Labcorp
Classification: Pathogenic. Last evaluated: 2023-11-21. Review status: criteria provided, single submitter. Criteria: Invitae Variant Classification Sherloc (09022015). Collection method: clinical testing. Allele origin: germline.
Comment: This sequence change creates a premature translational stop signal (p.Arg795*) in the COL17A1 gene. It is expected to result in an absent or disrupted protein product. Loss-of-function variants in COL17A1 are known to be pathogenic (PMID: 16473856, 17344927, 20301304, 21357940, 24319098). This variant is not present in population databases (gnomAD no frequency). This premature translational stop signal has been observed in individual(s) with junctional epidermolysis bullosa (PMID: 11168815, 31919892, 32484238, 33393081, 36287101). For these reasons, this variant has been classified as Pathogenic.

Literature cited by the submitters: PubMed 16473856; PubMed 17344927; PubMed 20301304; PubMed 21357940; PubMed 24319098; PubMed 11168815; PubMed 31919892; PubMed 32484238; PubMed 33393081; PubMed 36287101.

NM_000494.4(COL17A1):c.2383C>T (p.Arg795Ter)

Gene: COL17A1 (collagen type XVII alpha 1 chain; minus strand). Cytogenetic location: 10q25.1.
Variant type: single nucleotide variant.
Coding change: c.2383C>T on transcript NM_000494.4 (MANE Select); coding-DNA position 2383, C replaced by T.
Protein change: p.Arg795Ter; replaces arginine 795 with a stop codon.
Molecular consequence: nonsense.
Genome position (GRCh38, 1-based): chr10:104,045,773, G>A on the plus strand (C>T on the coding strand, the complement: COL17A1 is on the minus strand). VCF-style: chr10-104045773-G-A. GRCh37 (hg19) VCF-style: chr10-105805531-G-A.
Other names: short protein forms R795*.
Identifiers: ClinVar variation 2735485 (VCV002735485.3), dbSNP rs1277370326, ClinGen allele CA378068853.